The following is an entry in ClinVar:

NM_000426.4(LAMA2):c.4456G>A (p.Ala1486Thr)

Gene: LAMA2 (laminin subunit alpha 2; plus strand). Cytogenetic location: 6q22.33.
Variant type: single nucleotide variant.
Coding change: c.4456G>A on transcript NM_000426.4 (MANE Select); coding-DNA position 4456, G replaced by A.
Protein change: p.Ala1486Thr; replaces alanine 1486 with threonine.
Molecular consequence: missense variant.
Genome position (GRCh38, 1-based): chr6:129,349,317, G>A. VCF-style: chr6-129349317-G-A. GRCh37 (hg19) VCF-style: chr6-129670462-G-A.
Other names: c.4456G>A, p.Ala1486Thr (NM_001079823.2); short protein forms A1486T.
Identifiers: ClinVar variation 655719 (VCV000655719.13), dbSNP rs372576669, ClinGen allele CA3993562.

ClinVar aggregate classification (germline): Conflicting classifications of pathogenicity. Review status: criteria provided, conflicting classifications (1 of 4 stars). 5 submissions from 5 submitters: Uncertain significance (2); Likely benign (3). Last evaluated 2026-03-23.

Conditions:
Inborn genetic diseases. Identifiers: MedGen C0950123, MeSH D030342.
LAMA2-related muscular dystrophy (LAMA2-RD). Also called: Laminin alpha 2-related dystrophy. Identifiers: MedGen C5679788, MONDO:0100228.

Allele frequency attached by ClinVar (database versions not stated): 1000 Genomes Project 0.00020; ExAC 0.00002; gnomAD 0.00002 and 0.00003; TOPMed 0.00003; gnomAD exomes 0.00004; ESP Exome Variant Server 0.00008; 1000 Genomes Project 30x 0.00016.
gnomAD v4.1: 97 of 1,613,188 alleles (0.006%); highest among the groups gnomAD compares: South Asian, 0.012%; no homozygotes.

Submissions (5):

Women's Health and Genetics/Laboratory Corporation of America, LabCorp
Classification: Uncertain significance. Last evaluated: 2026-03-23. Review status: criteria provided, single submitter. Criteria: LabCorp Variant Classification Summary - May 2015. Collection method: clinical testing. Allele origin: germline.
Comment: Variant summary: LAMA2 c.4456G>A (p.Ala1486Thr) results in a non-conservative amino acid change in the encoded protein sequence. Algorithms developed to predict the effect of missense changes on protein structure and function are either unavailable or do not agree on the potential impact of this missense change. The variant allele was found at a frequency of 4.4e-05 in 251362 control chromosomes. This frequency is not significantly higher than estimated for disease-causing variants in LAMA2, allowing no conclusion about variant significance. To our knowledge, no occurrence of c.4456G>A in individuals affected with LAMA2-related conditions and no experimental evidence demonstrating its impact on protein function have been reported. ClinVar contains an entry for this variant (Variation ID: 655719). Based on the evidence outlined above, the variant was classified as uncertain significance.

Labcorp Genetics (formerly Invitae), Labcorp
Classification: Likely benign for LAMA2-related muscular dystrophy. Last evaluated: 2025-08-21. Review status: criteria provided, single submitter. Criteria: Invitae Variant Classification Sherloc (09022015). Collection method: clinical testing. Allele origin: germline.

Ambry Genetics
Classification: Likely benign for Inborn genetic diseases. Last evaluated: 2024-12-16. Review status: criteria provided, single submitter. Criteria: Ambry Variant Classification Scheme 2023. Collection method: clinical testing. Allele origin: germline.

Revvity Omics, Revvity
Classification: Uncertain significance. Last evaluated: 2022-05-11. Review status: criteria provided, single submitter. Criteria: ACMG Guidelines, 2015. Collection method: clinical testing. Allele origin: germline.

Dubai Health Genomic Medicine Center, Dubai Health
Classification: Likely benign. Last evaluated: 2019-12-15. Review status: criteria provided, single submitter. Criteria: ACMG Guidelines, 2015. Collection method: clinical testing. Allele origin: germline. Affected: yes.